The following is an entry in ClinVar:

ClinVar aggregate classification (germline): Uncertain significance. Review status: criteria provided, multiple submitters, no conflicts (2 of 4 stars). 2 submissions from 2 submitters: Uncertain significance (2). Last evaluated 2025-03-10.

Conditions:
Inborn genetic diseases. Identifiers: MedGen C0950123, MeSH D030342.

Allele frequency attached by ClinVar (database versions not stated): TOPMed 0.00001; gnomAD 0.00001.
gnomAD v4.1: 2 of 1,612,314 alleles (0.00012%); highest among the groups gnomAD compares: African/African-American, 0.0027%; no homozygotes.

Submissions (2):

Ambry Genetics
Classification: Uncertain significance for Inborn genetic diseases. Last evaluated: 2025-03-10. Review status: criteria provided, single submitter. Criteria: Ambry Variant Classification Scheme 2023. Collection method: clinical testing. Allele origin: germline.
Comment: The p.Q1149H variant (also known as c.3447G>C), located in coding exon 32 of the RTEL1 gene, results from a G to C substitution at nucleotide position 3447. The glutamine at codon 1149 is replaced by histidine, an amino acid with highly similar properties. This amino acid position is conserved. In addition, this alteration is predicted to be tolerated by in silico analysis. Based on the available evidence, the clinical significance of this variant remains unclear.

GeneDx
Classification: Uncertain significance. Last evaluated: 2019-11-25. Review status: criteria provided, single submitter. Criteria: GeneDx Variant Classification Process June 2021. Collection method: clinical testing. Allele origin: germline. Affected: yes.
Comment: Not observed in large population cohorts (Lek et al., 2016); In silico analysis, which includes protein predictors and evolutionary conservation, supports that this variant does not alter protein structure/function; Has not been previously published as pathogenic or benign to our knowledge

NM_001283009.2(RTEL1):c.3447G>C (p.Gln1149His)

Genes: RTEL1-TNFRSF6B (RTEL1-TNFRSF6B readthrough (NMD candidate); plus strand), RTEL1 (regulator of telomere elongation helicase 1; plus strand). Cytogenetic location: 20q13.33.
Variant type: single nucleotide variant.
Coding change: c.3447G>C on transcript NM_001283009.2 (MANE Select); coding-DNA position 3447, G replaced by C.
Protein change: p.Gln1149His; replaces glutamine 1149 with histidine.
Molecular consequence: missense variant. On other transcripts: non-coding transcript variant (1).
Genome position (GRCh38, 1-based): chr20:63,695,169, G>C. VCF-style: chr20-63695169-G-C. GRCh37 (hg19) VCF-style: chr20-62326522-G-C.
Other names: c.2778G>C, p.Gln926His (NM_001283010.1); c.3447G>C, p.Gln1149His (NM_016434.4); c.3519G>C, p.Gln1173His (NM_032957.5); short protein forms Q1149H, Q1173H, Q926H.
Identifiers: ClinVar variation 1310314 (VCV001310314.3), dbSNP rs969247050, ClinGen allele CA317529290.
Genomic context (GRCh38, chr20:63,695,169, plus strand): 5'-ACAGACGTGCACAGACCTGACCGGCCGGCCCTACCCGGGCATGGAGCCACCGGGACCCCA[G>C]GAGGAGAGGCTTGCCGTGCCTCCTGTGCTTACCCACAGGGCTCCCCAACCAGGTAGGGCA-3'
Protein context (NP_001269938.1, residues 1139-1159): PYPGMEPPGP[Gln1149His]EERLAVPPVL